The following is an entry in ClinVar:

NM_001164508.2(NEB):c.8547G>C (p.Met2849Ile)

Gene: NEB (nebulin; minus strand). Cytogenetic location: 2q23.3.
Variant type: single nucleotide variant.
Coding change: c.8547G>C on transcript NM_001164508.2 (MANE Select); coding-DNA position 8547, G replaced by C.
Protein change: p.Met2849Ile; replaces methionine 2849 with isoleucine.
Molecular consequence: missense variant.
Genome position (GRCh38, 1-based): chr2:151,640,493, C>G on the plus strand (G>C on the coding strand, the complement: NEB is on the minus strand). VCF-style: chr2-151640493-C-G. GRCh37 (hg19) VCF-style: chr2-152497007-C-G.
Other names: c.8547G>C, p.Met2849Ile (NM_001164507.2, NM_001271208.2, NM_004543.5); short protein forms M2849I.
Identifiers: ClinVar variation 1448328 (VCV001448328.8), dbSNP rs2098833299, ClinGen allele CA348810391.
Genomic context (GRCh38, chr2:151,640,493, plus strand): 5'-GTTCTTGTAGTCCACATCGCTGACTAAGGTCTGGCACTTCTTGGCCAGCACCACCCCCAG[C>G]ATGTCCACTGGGCTGCTGAACTTGGTCTTCCACTTCTCAAAGTCCTTCTTGTACTCCCTG-3'
Protein context (NP_001157980.2, residues 2839-2859): WKTKFSSPVD[Met2849Ile]LGVVLAKKCQ

ClinVar aggregate classification (germline): Uncertain significance (1 of 4 stars; one submission).

Conditions:
Nemaline myopathy 2 (NEM2). Also called: Nemaline myopathy 2, autosomal recessive. Identifiers: MedGen C1850569, MONDO:0009725, OMIM 256030.

Allele frequency attached by ClinVar (database versions not stated): TOPMed below 0.00001; gnomAD exomes 0.00001.

Submission:

Labcorp Genetics (formerly Invitae), Labcorp
Classification: Uncertain significance for Nemaline myopathy 2. Last evaluated: 2024-03-05. Review status: criteria provided, single submitter. Criteria: Invitae Variant Classification Sherloc (09022015). Collection method: clinical testing. Allele origin: germline.
Comment: This sequence change replaces methionine, which is neutral and non-polar, with isoleucine, which is neutral and non-polar, at codon 2849 of the NEB protein (p.Met2849Ile). This variant is not present in population databases (gnomAD no frequency). This variant has not been reported in the literature in individuals affected with NEB-related conditions. ClinVar contains an entry for this variant (Variation ID: 1448328). Experimental studies and prediction algorithms are not available or were not evaluated, and the functional significance of this variant is currently unknown. In summary, the available evidence is currently insufficient to determine the role of this variant in disease. Therefore, it has been classified as a Variant of Uncertain Significance.